The following is an entry in ClinVar:

ClinVar aggregate classification (germline): Uncertain significance. Review status: criteria provided, multiple submitters, no conflicts (2 of 4 stars). 3 submissions from 3 submitters: Uncertain significance (3). Last evaluated 2025-12-22.

Conditions:
Gastrointestinal stromal tumor. Also called: Gastrointestinal stromal tumor, somatic; Gastrointestinal stroma tumor. Identifiers: Orphanet 44890, MedGen C0238198, MeSH D046152, MONDO:0011719, OMIM 606764, HP:0100723.
Hereditary cancer-predisposing syndrome. Also called: Neoplastic Syndromes, Hereditary; Tumor predisposition; Hereditary Cancer Syndrome; Hereditary neoplastic syndrome. Identifiers: Orphanet 140162, MedGen C0027672, MeSH D009386, MONDO:0015356.

Allele frequency attached by ClinVar (database versions not stated): gnomAD exomes below 0.00001 and 0.00002; ExAC 0.00001; TOPMed 0.00002; gnomAD 0.00003; ESP Exome Variant Server 0.00008.
gnomAD v4.1: 17 of 1,541,486 alleles (0.0011%); highest among the groups gnomAD compares: African/African-American, 0.0027%; no homozygotes.

Submissions (3):

Labcorp Genetics (formerly Invitae), Labcorp
Classification: Uncertain significance for Gastrointestinal stromal tumor. Last evaluated: 2025-12-22. Review status: criteria provided, single submitter. Criteria: Invitae Variant Classification Sherloc (09022015). Collection method: clinical testing. Allele origin: germline.
Comment: This sequence change replaces isoleucine, which is neutral and non-polar, with asparagine, which is neutral and polar, at codon 315 of the KIT protein (p.Ile315Asn). The frequency data for this variant in the population databases is considered unreliable, as metrics indicate poor data quality at this position in the gnomAD database. This variant has not been reported in the literature in individuals affected with KIT-related conditions. ClinVar contains an entry for this variant (Variation ID: 648959). An algorithm developed to predict the effect of missense changes on protein structure and function (PolyPhen-2) suggests that this variant is likely to be tolerated. In summary, the available evidence is currently insufficient to determine the role of this variant in disease. Therefore, it has been classified as a Variant of Uncertain Significance.

Ambry Genetics
Classification: Uncertain significance for Hereditary cancer-predisposing syndrome. Last evaluated: 2024-02-27. Review status: criteria provided, single submitter. Criteria: Ambry Variant Classification Scheme 2023. Collection method: clinical testing. Allele origin: germline.
Comment: The p.I315N variant (also known as c.944T>A), located in coding exon 6 of the KIT gene, results from a T to A substitution at nucleotide position 944. The isoleucine at codon 315 is replaced by asparagine, an amino acid with dissimilar properties. This amino acid position is not well conserved in available vertebrate species. In addition, this alteration is predicted to be tolerated by in silico analysis. Since supporting evidence is limited at this time, the clinical significance of this alteration remains unclear.

Baylor Genetics
Classification: Uncertain significance for Gastrointestinal stromal tumor. Last evaluated: 2023-09-20. Review status: criteria provided, single submitter. Criteria: ACMG Guidelines, 2015. Collection method: clinical testing. Allele origin: unknown.

NM_000222.3(KIT):c.944T>A (p.Ile315Asn)

Gene: KIT (KIT proto-oncogene, receptor tyrosine kinase; plus strand). Cytogenetic location: 4q12.
Variant type: single nucleotide variant.
Coding change: c.944T>A on transcript NM_000222.3 (MANE Select); coding-DNA position 944, T replaced by A.
Protein change: p.Ile315Asn; replaces isoleucine 315 with asparagine.
Molecular consequence: missense variant.
Genome position (GRCh38, 1-based): chr4:54,707,116, T>A. VCF-style: chr4-54707116-T-A. GRCh37 (hg19) VCF-style: chr4-55573282-T-A.
Other names: c.944T>A, p.Ile315Asn (NM_001093772.2, NM_001385285.1, NM_001385286.1); c.947T>A, p.Ile316Asn (NM_001385284.1, NM_001385288.1, NM_001385290.1 and 1 more transcripts); short protein forms I315N, I316N.
Identifiers: ClinVar variation 648959 (VCV000648959.12), dbSNP rs377590954, ClinGen allele CA2923347.